The following is an entry in ClinVar:

ClinVar aggregate classification (germline): Conflicting classifications of pathogenicity. Review status: criteria provided, conflicting classifications (1 of 4 stars). 6 submissions from 6 submitters: Pathogenic (4); Likely pathogenic (1); Uncertain significance (1). Last evaluated 2025-11-10.

Conditions:
Hereditary cancer-predisposing syndrome. Also called: Tumor predisposition; Neoplastic Syndromes, Hereditary; Hereditary Cancer Syndrome; Hereditary neoplastic syndrome. Identifiers: Orphanet 140162, MedGen C0027672, MeSH D009386, MONDO:0015356.
Nijmegen breakage syndrome-like disorder (NBSLD). Also called: MICROCEPHALY AND SPONTANEOUS CHROMOSOME INSTABILITY WITHOUT IMMUNODEFICIENCY; NBS-LIKE DISORDER; RAD50 DEFICIENCY. Identifiers: Orphanet 240760, MedGen C2751318, MONDO:0013118, OMIM 613078.

Submissions (6):

Labcorp Genetics (formerly Invitae), Labcorp
Classification: Pathogenic for Hereditary cancer-predisposing syndrome. Last evaluated: 2025-11-10. Review status: criteria provided, single submitter. Criteria: Invitae Variant Classification Sherloc (09022015). Collection method: clinical testing. Allele origin: germline.
Comment: This sequence change creates a premature translational stop signal (p.Ser181Phefs*7) in the RAD50 gene. It is expected to result in an absent or disrupted protein product. Loss-of-function variants in RAD50 are known to be pathogenic (PMID: 19409520). This variant is present in population databases (rs786201531, gnomAD 0.006%). This variant has not been reported in the literature in individuals affected with RAD50-related conditions. ClinVar contains an entry for this variant (Variation ID: 184550). For these reasons, this variant has been classified as Pathogenic.

First Genomix Gene Laboratory, Genetic Diagnostics Department
Classification: Pathogenic for Nijmegen breakage syndrome-like disorder. Last evaluated: 2025-09-19. Review status: criteria provided, single submitter. Criteria: ACMG Guidelines, 2015. Collection method: clinical testing. Allele origin: germline. Inheritance: Autosomal recessive inheritance. Affected: no. Observed: 1 variant allele.

Quest Diagnostics Nichols Institute San Juan Capistrano
Classification: Pathogenic. Last evaluated: 2024-08-26. Review status: criteria provided, single submitter. Criteria: Quest Diagnostics criteria. Collection method: clinical testing. Allele origin: unknown.
Comment: The RAD50 c.541dup (p.Ser181Phefs*7) variant alters the translational reading frame of the RAD50 mRNA and causes the premature termination of RAD50 protein synthesis. This variant has been reported in the published literature in an individual with prostate cancer (PMID: 32606146 (2020)). In a large scale breast cancer association study, this variant has been observed in breast cancer cases and reportedly healthy individuals (PMID: 33471991 (2021), see also LOVD). The frequency of this variant in the general population, 0.000026 (3/113636 chromosomes (Genome Aggregation Database)), is consistent with pathogenicity. Based on the available information, this variant is classified as pathogenic.

CeGaT Center for Human Genetics Tuebingen
Classification: Uncertain significance. Last evaluated: 2022-09-01. Review status: criteria provided, single submitter. Criteria: CeGaT Center For Human Genetics Tuebingen Variant Classification Criteria Version 2. Collection method: clinical testing. Allele origin: germline. Affected: yes. Observed: 2 variant alleles.
Comment: RAD50: PM2, PVS1:Moderate

Ambry Genetics
Classification: Pathogenic for Hereditary cancer-predisposing syndrome. Last evaluated: 2021-12-27. Review status: criteria provided, single submitter. Criteria: Ambry Variant Classification Scheme 2023. Collection method: clinical testing. Allele origin: germline.
Comment: The c.541dupT pathogenic mutation, located in coding exon 4 of the RAD50 gene, results from a duplication of T at nucleotide position 541, causing a translational frameshift with a predicted alternate stop codon (p.S181Ffs*7). This variant was reported in 7/60,466 breast cancer cases and in 4/53,461 controls (Dorling et al. N Engl J Med. 2021 02;384:428-439). Designated c.541_542insT, this variant was also detected in 1/50 patients with metastatic castration-resistant prostate cancer (Holeckova K et al. In Vivo;34:1773-1778). In addition to the clinical data presented in the literature, this alteration is expected to result in loss of function by premature protein truncation or nonsense-mediated mRNA decay. As such, this alteration is interpreted as a disease-causing mutation.

Baylor Genetics
Classification: Likely pathogenic for Nijmegen breakage syndrome-like disorder. Last evaluated: 2021-04-14. Review status: criteria provided, single submitter. Criteria: ACMG Guidelines, 2015. Collection method: clinical testing. Allele origin: unknown.

Literature cited by the submitters: PubMed 19409520 (cited by Labcorp Genetics (formerly Invitae), Labcorp); PubMed 32606146 (cited by Quest Diagnostics Nichols Institute San Juan Capistrano and Ambry Genetics); PubMed 33471991 (cited by Quest Diagnostics Nichols Institute San Juan Capistrano and Ambry Genetics); PubMed 28888541 (cited by Quest Diagnostics Nichols Institute San Juan Capistrano); PubMed 31589614 (cited by Quest Diagnostics Nichols Institute San Juan Capistrano).

NM_005732.4(RAD50):c.541dup (p.Ser181fs)

Gene: RAD50 (RAD50 double strand break repair protein; plus strand). Cytogenetic location: 5q31.1.
Variant type: Duplication.
Coding change: c.541dup on transcript NM_005732.4 (MANE Select); coding-DNA position 541, one base duplicated (T; older notation c.541dupT).
Protein change: p.Ser181fs; shifts the reading frame from serine 181.
Molecular consequence: frameshift variant.
Genome position (GRCh38, 1-based): chr5:132,579,492, T duplicated; the last of 6 consecutive T bases (chr5:132,579,487-132,579,492); duplicating any one gives the same sequence. VCF-style (leftmost placement, unchanged base first): chr5-132579486-A-AT. GRCh37 (hg19) VCF-style: chr5-131915178-A-AT.
Other names: short protein forms S181fs.
Identifiers: ClinVar variation 184550 (VCV000184550.45), dbSNP rs786201531, ClinGen allele CA333847.
Genomic context (GRCh38, chr5:132,579,486, plus strand): 5'-CAAGAAGATTCTAATTGGCCTTTAAGTGAAGGAAAGGCTTTGAAGCAAAAGTTTGATGAG[A>AT]TTTTTTCAGCAACAAGGTTTGTAACCCTTAAATAGACTTTGTAGTCCATTAAGTTATTGA-3'